The following is an entry in ClinVar:

NM_004415.4(DSP):c.1126G>C (p.Ala376Pro)

Gene: DSP (desmoplakin; plus strand). Cytogenetic location: 6p24.3.
Variant type: single nucleotide variant.
Coding change: c.1126G>C on transcript NM_004415.4 (MANE Select); coding-DNA position 1126, G replaced by C.
Protein change: p.Ala376Pro; replaces alanine 376 with proline.
Molecular consequence: missense variant.
Genome position (GRCh38, 1-based): chr6:7,567,435, G>C. VCF-style: chr6-7567435-G-C. GRCh37 (hg19) VCF-style: chr6-7567668-G-C.
Other names: c.1126G>C, p.Ala376Pro (NM_001008844.3, NM_001319034.2, NM_001406591.1); short protein forms A376P.
Identifiers: ClinVar variation 3071525 (VCV003071525.4), dbSNP rs2533880074, ClinGen allele CA362675777.

ClinVar aggregate classification (germline): Uncertain significance. Review status: criteria provided, multiple submitters, no conflicts (2 of 4 stars). 2 submissions from 2 submitters: Uncertain significance (2). Last evaluated 2025-01-28.

Conditions:
Arrhythmogenic cardiomyopathy with wooly hair and keratoderma. Also called: PALMOPLANTAR KERATODERMA WITH LEFT VENTRICULAR CARDIOMYOPATHY AND WOOLLY HAIR; Carvajal syndrome; Dilated cardiomyopathy with woolly hair and keratoderma; Arrhythmogenic cardiomyopathy with woolly hair and keratoderma. Identifiers: Orphanet 65282, MedGen C1854063, MONDO:0011581, OMIM 605676.
Arrhythmogenic right ventricular dysplasia 8 (ARVD8). Also called: ARRHYTHMOGENIC RIGHT VENTRICULAR DYSPLASIA, FAMILIAL, 8; ARRHYTHMOGENIC RIGHT VENTRICULAR CARDIOMYOPATHY 8; Arrhythmogenic Right Ventricular Dysplasia/Cardiomyopathy 8. Identifiers: MedGen C1843896, MONDO:0011831, OMIM 607450.

Submissions (2):

Labcorp Genetics (formerly Invitae), Labcorp
Classification: Uncertain significance for Arrhythmogenic cardiomyopathy with wooly hair and keratoderma; Arrhythmogenic right ventricular dysplasia 8. Last evaluated: 2025-01-28. Review status: criteria provided, single submitter. Criteria: Invitae Variant Classification Sherloc (09022015). Collection method: clinical testing. Allele origin: germline.
Comment: This sequence change replaces alanine, which is neutral and non-polar, with proline, which is neutral and non-polar, at codon 376 of the DSP protein (p.Ala376Pro). This variant is not present in population databases (gnomAD no frequency). This variant has not been reported in the literature in individuals affected with DSP-related conditions. ClinVar contains an entry for this variant (Variation ID: 3071525). An algorithm developed to predict the effect of missense changes on protein structure and function (PolyPhen-2) suggests that this variant is likely to be disruptive. In summary, the available evidence is currently insufficient to determine the role of this variant in disease. Therefore, it has been classified as a Variant of Uncertain Significance.

All of Us Research Program, National Institutes of Health
Classification: Uncertain significance for Arrhythmogenic cardiomyopathy with wooly hair and keratoderma. Last evaluated: 2024-06-11. Review status: criteria provided, single submitter. Criteria: ACMG Guidelines, 2015. Collection method: clinical testing. Allele origin: germline. Inheritance: Autosomal dominant inheritance. Observed: 2 variant alleles, 2 heterozygotes.
Comment: This missense variant replaces alanine with proline at codon 376 of the DSP protein. Computational prediction suggests that this variant may have deleterious impact on protein structure and function (internally defined REVEL score threshold >= 0.7, PMID: 27666373). To our knowledge, functional studies have not been reported for this variant. This variant has not been reported in individuals affected with DSP-related disorders in the literature. This variant has not been identified in the general population by the Genome Aggregation Database (gnomAD). The available evidence is insufficient to determine the role of this variant in disease conclusively. Therefore, this variant is classified as a Variant of Uncertain Significance.

This study involves interpretation of variants in research participants for the purpose of population health screening. Participant phenotype was not available at the time of variant classification. Additional details can be found in publication PMID: 35346344, PMCID: PMC8962531